The following is an entry in ClinVar:

ClinVar aggregate classification (germline): Pathogenic/Likely pathogenic. Review status: criteria provided, multiple submitters, no conflicts (2 of 4 stars). 5 submissions from 5 submitters: Pathogenic (1); Likely pathogenic (3). 1 of the submissions does not count toward it. Last evaluated 2025-08-22.

Conditions:
Polycystic kidney disease 4 (PKD4). Also called: POLYCYSTIC KIDNEY AND HEPATIC DISEASE 1; POLYCYSTIC KIDNEY DISEASE, INFANTILE, TYPE I; POLYCYSTIC KIDNEY DISEASE 4 WITH OR WITHOUT POLYCYSTIC LIVER DISEASE; PKD3; Autosomal Recessive Polycystic Kidney Disease – PKHD1. Identifiers: MedGen C4540575, MONDO:0033004, OMIM 263200.
Autosomal recessive polycystic kidney disease (ARPKD). Also called: AR polycystic kidney disease. Identifiers: Orphanet 731, Orphanet 8378, MedGen C0085548, MeSH D017044, MONDO:0009889.

Allele frequency attached by ClinVar (database versions not stated): gnomAD exomes 0.00001.

Submissions (5):

Natera, Inc.
Classification: Likely pathogenic for Autosomal recessive polycystic kidney disease. Last evaluated: 2025-08-22. Review status: criteria provided, single submitter. Criteria: Natera Variant Classification Schema (03/2026). Collection method: clinical testing. Allele origin: germline.
Comment: The c.2813delA variant in PKHD1 is a frameshift variant predicted to shift the reading frame beginning at codon 938 and leads to a stop codon 9 codons downstream. This variant is expected to result in nonsense mediated decay, truncation, or a dysfunctional protein product. This variant is rare in the general population with a frequency below the threshold expected for the associated phenotype(s). Given the available evidence, this variant is classified as Likely Pathogenic.

Baylor Genetics
Classification: Likely pathogenic for Polycystic kidney disease 4. Last evaluated: 2023-10-06. Review status: criteria provided, single submitter. Criteria: ACMG Guidelines, 2015. Collection method: clinical testing. Allele origin: unknown.

Labcorp Genetics (formerly Invitae), Labcorp
Classification: Pathogenic for Autosomal recessive polycystic kidney disease. Last evaluated: 2023-09-27. Review status: criteria provided, single submitter. Criteria: Invitae Variant Classification Sherloc (09022015). Collection method: clinical testing. Allele origin: germline.
Comment: This sequence change creates a premature translational stop signal (p.Tyr938Serfs*9) in the PKHD1 gene. It is expected to result in an absent or disrupted protein product. Loss-of-function variants in PKHD1 are known to be pathogenic (PMID: 19940839). This variant is not present in population databases (gnomAD no frequency). This variant has not been reported in the literature in individuals affected with PKHD1-related conditions. ClinVar contains an entry for this variant (Variation ID: 371594). For these reasons, this variant has been classified as Pathogenic.

Women's Health and Genetics/Laboratory Corporation of America, LabCorp
Classification: Likely pathogenic for Autosomal recessive polycystic kidney disease. Last evaluated: 2022-10-03. Review status: criteria provided, single submitter. Criteria: LabCorp Variant Classification Summary - May 2015. Collection method: clinical testing. Allele origin: germline.
Comment: Variant summary: PKHD1 c.2813delA (p.Tyr938SerfsX9) results in a premature termination codon, predicted to cause a truncation of the encoded protein or absence of the protein due to nonsense mediated decay, which are commonly known mechanisms for disease. Truncations downstream of this position have been classified as pathogenic by our laboratory. The variant was absent in 251102 control chromosomes. To our knowledge, no occurrence of c.2813delA in individuals affected with Polycystic Kidney And Hepatic Disease and no experimental evidence demonstrating its impact on protein function have been reported. Two clinical diagnostic laboratories have submitted clinical-significance assessments for this variant to ClinVar after 2014 without evidence for independent evaluation. Both laboratories classified the variant as pathogenic/likely pathogenic. Based on the evidence outlined above, the variant was classified as likely pathogenic.

Counsyl
Classification: Likely pathogenic for Polycystic kidney disease 4. Last evaluated: 2016-10-26. Review status: no assertion criteria provided. Collection method: clinical testing. Allele origin: unknown. Not counted in ClinVar's aggregate classification.

Literature cited by the submitters: PubMed 19940839 (cited by Labcorp Genetics (formerly Invitae), Labcorp).

NM_138694.4(PKHD1):c.2813del (p.Tyr938fs)

Gene: PKHD1 (PKHD1 ciliary IPT domain containing fibrocystin/polyductin; minus strand). Cytogenetic location: 6p12.2.
Variant type: Deletion.
Coding change: c.2813del on transcript NM_138694.4 (MANE Select); coding-DNA position 2813, one base deleted (A; older notation c.2813delA).
Protein change: p.Tyr938fs; shifts the reading frame from tyrosine 938.
Molecular consequence: frameshift variant.
Genome position (GRCh38, 1-based): chr6:52,043,633, T deleted on the plus strand (A on the coding strand, the reverse complement: PKHD1 is on the minus strand). VCF-style (leftmost placement, unchanged base first): chr6-52043632-GT-G. GRCh37 (hg19) VCF-style: chr6-51908430-GT-G.
Other names: c.2813del, p.Tyr938fs (NM_170724.3); short protein forms Y938fs.
Identifiers: ClinVar variation 371594 (VCV000371594.13), dbSNP rs1057517394, ClinGen allele CA16041064.